The following is an entry in ClinVar:

NM_001048174.2(MUTYH):c.838G>T (p.Ala280Ser)

Gene: MUTYH (mutY DNA glycosylase; minus strand). Cytogenetic location: 1p34.1.
Variant type: single nucleotide variant.
Coding change: c.838G>T on transcript NM_001048174.2 (MANE Select); coding-DNA position 838, G replaced by T.
Protein change: p.Ala280Ser; replaces alanine 280 with serine.
Molecular consequence: missense variant. On other transcripts: non-coding transcript variant (7).
Genome position (GRCh38, 1-based): chr1:45,332,177, C>A on the plus strand (G>T on the coding strand, the complement: MUTYH is on the minus strand). VCF-style: chr1-45332177-C-A. GRCh37 (hg19) VCF-style: chr1-45797849-C-A.
Other names: c.838G>T, p.Ala280Ser (NM_001048171.2, NM_001048173.2, NM_001293195.2 and 6 more transcripts); c.841G>T, p.Ala281Ser (NM_001048172.2, NM_001407071.1, NM_001407078.1 and 1 more transcripts); c.922G>T, p.Ala308Ser (NM_001128425.2); c.883G>T, p.Ala295Ser (NM_001293190.2); c.871G>T, p.Ala291Ser (NM_001293191.2, NM_001407069.1, NM_001407077.1); c.562G>T, p.Ala188Ser (NM_001293192.2, NM_001293196.2, NM_001407091.1); c.493G>T, p.Ala165Ser (NM_001350650.2, NM_001350651.2, NM_001407082.1); c.754G>T, p.Ala252Ser (NM_001407075.1); and 5 more; short protein forms A266S, A305S, A252S, A287S, A295S, A267S, A291S, A308S.
Identifiers: ClinVar variation 4113908 (VCV004113908.2).
Genomic context (GRCh38, chr1:45,332,177, plus strand): 5'-CAGAGTCACTCCTTAGGACTTCTCACTGCCCCTTCCCCAGTAGGCTTACTCTCTGGCGTG[C>A]CCGGCACAGGCTCTCCACAGGGCACTGGCTGCACAGTGGGCGCTGTGGGGTACACACTGT-3'
Protein context (NP_001041639.1, residues 270-290): SQCPVESLCR[Ala280Ser]RQRVEQEQLL

ClinVar aggregate classification (germline): Uncertain significance. Review status: criteria provided, multiple submitters, no conflicts (2 of 4 stars). 2 submissions from 2 submitters: Uncertain significance (2). Last evaluated 2025-08-27.

Conditions:
Familial adenomatous polyposis 2. Also called: COLORECTAL ADENOMATOUS POLYPOSIS, AUTOSOMAL RECESSIVE; ADENOMAS, MULTIPLE COLORECTAL, AUTOSOMAL RECESSIVE; MYH-associated polyposis; MUTYH-associated polyposis; MUTYH-related attenuated familial adenomatous polyposis; FAP type 2. Identifiers: Orphanet 220460, Orphanet 247798, MedGen C3272841, MONDO:0012041, OMIM 608456.
Hereditary cancer-predisposing syndrome. Also called: Tumor predisposition; Neoplastic Syndromes, Hereditary; Hereditary Cancer Syndrome; Hereditary neoplastic syndrome. Identifiers: Orphanet 140162, MedGen C0027672, MeSH D009386, MONDO:0015356.

Submissions (2):

Ambry Genetics
Classification: Uncertain significance for Hereditary cancer-predisposing syndrome. Last evaluated: 2025-08-27. Review status: criteria provided, single submitter. Criteria: Ambry Variant Classification Scheme 2023. Collection method: clinical testing. Allele origin: germline.
Comment: The p.A308S variant (also known as c.922G>T), located in coding exon 10 of the MUTYH gene, results from a G to T substitution at nucleotide position 922. The alanine at codon 308 is replaced by serine, an amino acid with similar properties. This amino acid position is conserved. In addition, the in silico prediction for this alteration is inconclusive. Based on the available evidence, the clinical significance of this variant remains unclear.

Labcorp Genetics (formerly Invitae), Labcorp
Classification: Uncertain significance for Familial adenomatous polyposis 2. Last evaluated: 2025-07-22. Review status: criteria provided, single submitter. Criteria: Invitae Variant Classification Sherloc (09022015). Collection method: clinical testing. Allele origin: germline.
Comment: This sequence change replaces alanine, which is neutral and non-polar, with serine, which is neutral and polar, at codon 308 of the MUTYH protein (p.Ala308Ser). This variant is not present in population databases (gnomAD no frequency). This variant has not been reported in the literature in individuals affected with MUTYH-related conditions. An algorithm developed to predict the effect of missense changes on protein structure and function (PolyPhen-2) suggests that this variant is likely to be disruptive. In summary, the available evidence is currently insufficient to determine the role of this variant in disease. Therefore, it has been classified as a Variant of Uncertain Significance.